The following is an entry in ClinVar:

NM_000278.5(PAX2):c.722del (p.Leu241fs)

Gene: PAX2 (paired box 2; plus strand). Cytogenetic location: 10q24.31.
Variant type: Deletion.
Coding change: c.722del on transcript NM_000278.5 (MANE Select); coding-DNA position 722, one base deleted (T; older notation c.722delT).
Protein change: p.Leu241fs; shifts the reading frame from leucine 241.
Molecular consequence: frameshift variant.
Genome position (GRCh38, 1-based): chr10:100,806,535, T deleted; the last of 3 consecutive T bases (chr10:100,806,533-100,806,535); deleting any one gives the same sequence. VCF-style (leftmost placement, unchanged base first): chr10-100806532-CT-C. GRCh37 (hg19) VCF-style: chr10-102566289-CT-C.
Other names: c.815del, p.Leu272fs (NM_001304569.2); c.791del, p.Leu264fs (NM_003987.5, NM_003990.5); c.722del, p.Leu241fs (NM_003988.5, NM_003989.5); short protein forms L241fs, L264fs, L272fs.
Identifiers: ClinVar variation 3030807 (VCV003030807.2), dbSNP rs2493149679, ClinGen allele CA2740093508.

ClinVar aggregate classification (germline): Pathogenic (0 of 4 stars; one submission).

Conditions:
PAX2-Related Disorder. Also called: PAX2-related disorders. Identifiers: MedGen CN381309.

Submission:

PreventionGenetics, part of Exact Sciences
Classification: Pathogenic for PAX2-related condition. Last evaluated: 2023-12-09. Review status: no assertion criteria provided. Collection method: clinical testing. Allele origin: germline.
Comment: The PAX2 c.791delT variant is predicted to result in a frameshift and premature protein termination (p.Leu264Trpfs*33). To our knowledge, this variant has not been reported in the literature or in a large population database, indicating this variant is rare. Frameshift variants in PAX2 are expected to be pathogenic. This variant is interpreted as pathogenic.